The following is an entry in ClinVar:

ClinVar aggregate classification (germline): Uncertain significance (0 of 4 stars; one submission).

Conditions:
PCNT-related disorder. Also called: PCNT-related condition.

gnomAD v4.1: 4 of 1,613,752 alleles (0.00025%); highest among the groups gnomAD compares: Admixed American, 0.0067%; no homozygotes.

Submission:

PreventionGenetics, part of Exact Sciences
Classification: Uncertain significance for PCNT-related condition. Last evaluated: 2024-04-16. Review status: no assertion criteria provided. Collection method: clinical testing. Allele origin: germline.
Comment: The PCNT c.7159G>T variant is predicted to result in the amino acid substitution p.Val2387Leu. To our knowledge, this variant has not been reported in the literature. This variant is reported in 0.0058% of alleles in individuals of Latino descent in gnomAD. At this time, the clinical significance of this variant is uncertain due to the absence of conclusive functional and genetic evidence.

NM_006031.6(PCNT):c.7159G>T (p.Val2387Leu)

Gene: PCNT (pericentrin; plus strand). Cytogenetic location: 21q22.3.
Variant type: single nucleotide variant.
Coding change: c.7159G>T on transcript NM_006031.6 (MANE Select); coding-DNA position 7159, G replaced by T.
Protein change: p.Val2387Leu; replaces valine 2387 with leucine.
Molecular consequence: missense variant.
Genome position (GRCh38, 1-based): chr21:46,422,104, G>T. VCF-style: chr21-46422104-G-T. GRCh37 (hg19) VCF-style: chr21-47842018-G-T.
Other names: c.6805G>T, p.Val2269Leu (NM_001315529.2); short protein forms V2269L, V2387L.
Identifiers: ClinVar variation 3351896 (VCV003351896.1).